The following is an entry in ClinVar:

NM_153676.4(USH1C):c.1548G>C (p.Pro516=)

Gene: USH1C (USH1 protein network component harmonin; minus strand). Cytogenetic location: 11p15.1.
Variant type: single nucleotide variant.
Coding change: c.1548G>C on transcript NM_153676.4 (MANE Select); coding-DNA position 1548, G replaced by C.
Protein change: p.Pro516=; no amino-acid change (proline 516 retained).
Molecular consequence: synonymous variant. On other transcripts: intron variant (2).
Genome position (GRCh38, 1-based): chr11:17,509,821, C>G on the plus strand (G>C on the coding strand, the complement: USH1C is on the minus strand). VCF-style: chr11-17509821-C-G. GRCh37 (hg19) VCF-style: chr11-17531368-C-G.
Other names: c.1227+7580G>C (NM_001297764.2); c.1284+7580G>C (NM_005709.4).
Identifiers: ClinVar variation 505556 (VCV000505556.5), dbSNP rs780428813, ClinGen allele CA473299323.

ClinVar aggregate classification (germline): Likely benign (1 of 4 stars; one submission).

Submission:

Laboratory for Molecular Medicine, Mass General Brigham Personalized Medicine
Classification: Likely benign. Last evaluated: 2017-01-13. Review status: criteria provided, single submitter. Criteria: LMM Criteria. Collection method: clinical testing. Allele origin: germline. Observed: 1 variant allele.
Comment: p.Pro516Pro in exon 18 of USH1C: : This variant is not expected to have clinical significance because it does not alter an amino acid residue, and it is not loc ated within the splice consensus sequence. It has been identified in 5/106708 E uropean chromosomes by the Genome Aggregation Database (gnomAD).